The following is an entry in ClinVar:

ClinVar aggregate classification (germline): Uncertain significance. Review status: criteria provided, multiple submitters, no conflicts (2 of 4 stars). 2 submissions from 2 submitters: Uncertain significance (2). Last evaluated 2019-04-01.

Conditions:
Cortical dysplasia, complex, with other brain malformations 13. Also called: Intellectual disability, autosomal dominant 13. Identifiers: MedGen C3281202, MONDO:0013805, OMIM 614563.

Submissions (2):

CeGaT Center for Human Genetics Tuebingen
Classification: Uncertain significance. Last evaluated: 2019-04-01. Review status: criteria provided, single submitter. Criteria: CeGaT Center For Human Genetics Tuebingen Variant Classification Criteria Version 2. Collection method: clinical testing. Allele origin: germline. Affected: yes. Observed: 1 variant allele.

Baylor Genetics
Classification: Uncertain significance for Cortical dysplasia, complex, with other brain malformations 13. Last evaluated: 2017-09-01. Review status: criteria provided, single submitter. Criteria: ACMG Guidelines, 2015. Collection method: clinical testing. Allele origin: de novo. Inheritance: Autosomal dominant inheritance. Affected: yes.

Literature cited by the submitters: PubMed 25326635 (cited by Baylor Genetics).

NM_001376.5(DYNC1H1):c.1544C>T (p.Ala515Val)

Gene: DYNC1H1 (dynein cytoplasmic 1 heavy chain 1; plus strand). Cytogenetic location: 14q32.31.
Variant type: single nucleotide variant.
Coding change: c.1544C>T on transcript NM_001376.5 (MANE Select); coding-DNA position 1544, C replaced by T.
Protein change: p.Ala515Val; replaces alanine 515 with valine.
Molecular consequence: missense variant.
Genome position (GRCh38, 1-based): chr14:101,985,769, C>T. VCF-style: chr14-101985769-C-T. GRCh37 (hg19) VCF-style: chr14-102452106-C-T.
Other names: short protein forms A515V.
Identifiers: ClinVar variation 560993 (VCV000560993.44), dbSNP rs1566998962, ClinGen allele CA391018265.
Genomic context (GRCh38, chr14:101,985,769, plus strand): 5'-ATCAAGGAGAGGTCCCTGAACCCCAAGATATGAAAGTGGCTGAGGTTCTCTTTGATGCTG[C>T]AGATGCAAATGCCATTGAGGAAGTAAACCTTGCTTATGAGAACGTCAAGGAAGTGGATGG-3'
Protein context (NP_001367.2, residues 505-525): MKVAEVLFDA[Ala515Val]DANAIEEVNL